The following is an entry in ClinVar:

ClinVar aggregate classification (germline): Uncertain significance. Review status: criteria provided, multiple submitters, no conflicts (2 of 4 stars). 2 submissions from 2 submitters: Uncertain significance (2). Last evaluated 2022-03-09.

Conditions:
Cohen syndrome (COH1). Also called: Cutis verticis gyrata, retinitis pigmentosa, and sensorineural deafness; PEPPER SYNDROME. Identifiers: Orphanet 193, MedGen C0265223, MONDO:0008999, OMIM 216550.

Allele frequency attached by ClinVar (database versions not stated): gnomAD 0.00001; gnomAD exomes 0.00001 and 0.00010; TOPMed 0.00001; ExAC 0.00002.
gnomAD v4.1: 137 of 1,612,984 alleles (0.0085%); highest among the groups gnomAD compares: Non-Finnish European, 0.012%; no homozygotes.

Submissions (2):

Labcorp Genetics (formerly Invitae), Labcorp
Classification: Uncertain significance for Cohen syndrome. Last evaluated: 2022-03-09. Review status: criteria provided, single submitter. Criteria: Invitae Variant Classification Sherloc (09022015). Collection method: clinical testing. Allele origin: germline.
Comment: This sequence change replaces valine, which is neutral and non-polar, with leucine, which is neutral and non-polar, at codon 1553 of the VPS13B protein (p.Val1553Leu). This variant is present in population databases (rs757253779, gnomAD 0.002%). This variant has not been reported in the literature in individuals affected with VPS13B-related conditions. Algorithms developed to predict the effect of missense changes on protein structure and function are either unavailable or do not agree on the potential impact of this missense change (SIFT: "Not Available"; PolyPhen-2: "Possibly Damaging"; Align-GVGD: "Not Available"). In summary, the available evidence is currently insufficient to determine the role of this variant in disease. Therefore, it has been classified as a Variant of Uncertain Significance.

Blueprint Genetics
Classification: Uncertain significance. Last evaluated: 2021-10-06. Review status: criteria provided, single submitter. Criteria: ACMG Guidelines, 2015. Collection method: clinical testing. Allele origin: germline.

NM_152564.5(VPS13B):c.4582G>C (p.Val1528Leu)

Gene: VPS13B (vacuolar protein sorting 13 homolog B; plus strand). Cytogenetic location: 8q22.2.
Variant type: single nucleotide variant.
Coding change: c.4582G>C on transcript NM_152564.5 (MANE Select); coding-DNA position 4582, G replaced by C.
Protein change: p.Val1528Leu; replaces valine 1528 with leucine.
Molecular consequence: missense variant.
Genome position (GRCh38, 1-based): chr8:99,511,461, G>C. VCF-style: chr8-99511461-G-C. GRCh37 (hg19) VCF-style: chr8-100523689-G-C.
Other names: c.4657G>C, p.Val1553Leu (NM_017890.5); short protein forms V1528L, V1553L.
Identifiers: ClinVar variation 1521528 (VCV001521528.6), dbSNP rs757253779, ClinGen allele CA4823557.